The following is an entry in ClinVar:

ClinVar aggregate classification (germline): Conflicting classifications of pathogenicity. Review status: criteria provided, conflicting classifications (1 of 4 stars). 11 submissions from 11 submitters: Uncertain significance (8); Likely benign (1). 2 of the submissions do not count toward it. Last evaluated 2025-09-23.

Conditions:
TTN-related disorder. Also called: TTN-related condition; TTN-related disease; TTN-related disorders.
Cardiovascular phenotype. Identifiers: MedGen CN230736.
Dilated cardiomyopathy 1G (CMD1G). Identifiers: Orphanet 154, MedGen C1858763, MONDO:0011400, OMIM 604145.
Autosomal recessive limb-girdle muscular dystrophy type 2J (LGMDR10). Also called: Limb-girdle muscular dystrophy, type 2J; MUSCULAR DYSTROPHY, LIMB-GIRDLE, AUTOSOMAL RECESSIVE 10. Identifiers: Orphanet 140922, MedGen C1837342, MONDO:0012127, OMIM 608807.
Early-onset myopathy with fatal cardiomyopathy (CMYO5). Also called: Salih Myopathy; CONGENITAL MYOPATHY 5 WITH CARDIOMYOPATHY. Identifiers: Orphanet 289377, MedGen C2673677, MONDO:0012714, OMIM 611705. Disease mechanism: loss of function.
Tibial muscular dystrophy (TMD). Also called: Tibial muscular dystrophy, tardive; Udd Distal Myopathy – Tibial Muscular Dystrophy; UDD MYOPATHY. Identifiers: Orphanet 609, MedGen C1838244, MONDO:0010870, OMIM 600334.
Myopathy, myofibrillar, 9, with early respiratory failure (MFM9). Also called: Myopathy, distal, with early respiratory failure, autosomal dominant; MYOPATHY, PROXIMAL, WITH EARLY RESPIRATORY MUSCLE INVOLVEMENT; Hereditary myopathy with early respiratory failure; EDSTROM MYOPATHY. Identifiers: Orphanet 178464, Orphanet 34521, MedGen C1863599, MONDO:0011362, OMIM 603689.
Hypertrophic cardiomyopathy 9. Also called: Familial hypertrophic cardiomyopathy 9. Identifiers: MedGen C1861065, MONDO:0013412, OMIM 613765.
Ventricular tachycardia. Identifiers: MedGen C0042514, MONDO:0005477, HP:0004756.

Allele frequency attached by ClinVar (database versions not stated): gnomAD exomes 0.00005 and 0.00008; ESP Exome Variant Server 0.00008; TOPMed 0.00010; ExAC 0.00012; gnomAD 0.00013; 1000 Genomes Project 30x 0.00031; 1000 Genomes Project 0.00040.
gnomAD v4.1: 98 of 1,613,782 alleles (0.0061%); highest among the groups gnomAD compares: African/African-American, 0.02%; no homozygotes.

Submissions (11):

GeneDx
Classification: Uncertain significance. Last evaluated: 2025-09-23. Review status: criteria provided, single submitter. Criteria: GeneDx Variant Classification Process June 2021. Collection method: clinical testing. Allele origin: germline. Affected: yes.
Comment: In silico analysis supports that this missense variant has a deleterious effect on protein structure/function; Has not been previously published as pathogenic or benign to our knowledge; This variant is associated with the following publications: (PMID: 24636144, 24578547)

PreventionGenetics, part of Exact Sciences
Classification: Uncertain significance for TTN-related condition. Last evaluated: 2025-07-22. Review status: criteria provided, single submitter. Criteria: ACMG Guidelines, 2015. Collection method: clinical testing. Allele origin: germline.
Comment: The TTN c.95245G>A variant is predicted to result in the amino acid substitution p.Glu31749Lys. To our knowledge, this variant has not been reported in the literature. This variant is reported in 0.029% of alleles in individuals of African descent in gnomAD. At this time, the clinical significance of this variant is uncertain due to the absence of conclusive functional and genetic evidence.

Blueprint Genetics
Classification: Likely benign. Last evaluated: 2024-08-19. Review status: criteria provided, single submitter. Criteria: ACMG Guidelines, 2015. Collection method: clinical testing. Allele origin: germline.

Fulgent Genetics
Classification: Uncertain significance for Tibial muscular dystrophy; Myopathy, myofibrillar, 9, with early respiratory failure; Dilated cardiomyopathy 1G; Autosomal recessive limb-girdle muscular dystrophy type 2J; Early-onset myopathy with fatal cardiomyopathy; Hypertrophic cardiomyopathy 9. Last evaluated: 2021-07-01. Review status: criteria provided, single submitter. Criteria: ACMG Guidelines, 2015. Collection method: clinical testing. Allele origin: unknown.

Revvity Omics, Revvity
Classification: Uncertain significance. Last evaluated: 2019-04-18. Review status: criteria provided, single submitter. Criteria: ACMG Guidelines, 2015. Collection method: clinical testing. Allele origin: germline.

Center for Advanced Laboratory Medicine, UC San Diego Health, University of California San Diego
Classification: Uncertain significance for Ventricular tachycardia. Last evaluated: 2017-09-21. Review status: criteria provided, single submitter. Criteria: ACMG Guidelines, 2015. Collection method: clinical testing. Allele origin: germline. Affected: yes. Observed: 1 variant allele.

Labcorp Genetics (formerly Invitae), Labcorp
Classification: Uncertain significance for Dilated cardiomyopathy 1G; Autosomal recessive limb-girdle muscular dystrophy type 2J. Last evaluated: 2017-07-27. Review status: criteria provided, single submitter. Criteria: Invitae Variant Classification Sherloc (09022015). Collection method: clinical testing. Allele origin: germline.

Eurofins Ntd Llc (ga)
Classification: Uncertain significance. Last evaluated: 2017-02-23. Review status: criteria provided, single submitter. Criteria: EGL Classification Definitions 2015. Collection method: clinical testing. Allele origin: germline. Observed: 3 variant alleles, 3 heterozygotes.

Ambry Genetics
Classification: Uncertain significance for Cardiovascular phenotype. Last evaluated: 2013-02-18. Review status: criteria provided, single submitter. Criteria: Ambry Autosomal Dominant and X-Linked criteria (10/2015). Collection method: clinical testing. Allele origin: germline. Observed: 1 variant allele.
Comment: Ã¢â‚¬â€¹The p.E29181K variant (also known as c.87541G>A) is located in coding exon 291 of the TTN gene. This alteration results from a G to A substitution at nucleotide position 87541. The glutamate at codon 29181 is replaced by lysine, an amino acid with similar properties. This variant was previously reported in the SNPDatabase as rs139542862. Based on data from the NHLBI Exome Sequencing Project (ESP), the A-allele has an overall frequency of approximately 0.01% (1/12,398), having been observed in 0.02% (1/4038) of African American alleles and in 0% (0/8360) of European American alleles studied. Based on data from the 1000 Genomes Project, the A-allele has an overall frequency of approximately 0.05% (1/2184). The highest observed frequency was 1 of 194 (0.52%) Luhya West African chromosomes. Based on protein sequence alignment, this amino acid position is highly conserved in available vertebrate species. In addition, this alteration is predicted to be probably damaging by PolyPhen in silico analysis. Since supporting evidence is limited at this time, the clinical significance of p.E29181K remains unclear.

Clinical Genetics DNA and cytogenetics Diagnostics Lab, Erasmus MC, Erasmus Medical Center
Classification: Uncertain significance. Review status: no assertion criteria provided. Collection method: clinical testing. Allele origin: germline. Affected: yes. Study: VKGL Data-share Consensus. Not counted in ClinVar's aggregate classification.

Joint Genome Diagnostic Labs from Nijmegen and Maastricht, Radboudumc and MUMC+
Classification: Uncertain significance. Review status: no assertion criteria provided. Collection method: clinical testing. Allele origin: germline. Affected: yes. Study: VKGL Data-share Consensus. Not counted in ClinVar's aggregate classification.

NM_001267550.2(TTN):c.95245G>A (p.Glu31749Lys)

Genes: TTN (titin; minus strand), TTN-AS1 (TTN antisense RNA 1; plus strand). Cytogenetic location: 2q31.2.
Variant type: single nucleotide variant.
Coding change: c.95245G>A on transcript NM_001267550.2 (MANE Select); coding-DNA position 95245, G replaced by A.
Protein change: p.Glu31749Lys; replaces glutamic acid 31749 with lysine.
Molecular consequence: missense variant.
Genome position (GRCh38, 1-based): chr2:178,545,991, C>T on the plus strand (G>A on the coding strand, the complement: TTN is on the minus strand). VCF-style: chr2-178545991-C-T. GRCh37 (hg19) VCF-style: chr2-179410718-C-T.
Other names: c.90322G>A, p.Glu30108Lys (NM_001256850.1); c.68050G>A, p.Glu22684Lys (NM_003319.4); c.87541G>A, p.Glu29181Lys (NM_133378.4); c.68425G>A, p.Glu22809Lys (NM_133432.3); c.68626G>A, p.Glu22876Lys (NM_133437.4); c.95245G>A (NM_001267550.1); short protein forms E31749K, E29181K, E22684K, E22809K, E22876K, E30108K.
Identifiers: ClinVar variation 196195 (VCV000196195.22), dbSNP rs139542862, ClinGen allele CA243076.
Genomic context (GRCh38, chr2:178,545,991, plus strand): 5'-CGACATAGGATAGGGTTGGGCATTCGCCTTCAACAATCACCCAGTTGAGCCTGCTAGTCT[C>T]GCGTCTTTCCACGATGTAGTGAGTGATTTCTGCTCCTCCGTCTTCCTGCGGAAGGCTCCA-3'
Protein context (NP_001254479.2, residues 31739-31759): EITHYIVERR[Glu31749Lys]TSRLNWVIVE